The following is an entry in ClinVar:

NM_024899.4(CEP76):c.1520_1521insT (p.Leu508fs)

Genes: CEP76 (centrosomal protein 76; minus strand), PSMG2 (proteasome assembly chaperone 2; plus strand). Cytogenetic location: 18p11.21.
Variant type: Insertion.
Coding change: c.1520_1521insT on transcript NM_024899.4 (MANE Select); coding-DNA positions 1520 to 1521, T inserted.
Protein change: p.Leu508fs; shifts the reading frame from leucine 508.
Molecular consequence: frameshift variant. On other transcripts: non-coding transcript variant (1), intron variant (1).
Genome position: GRCh38 VCF-style: chr18-12678211-G-GA. GRCh37 (hg19) VCF-style: chr18-12678210-G-GA.
Other names: c.1295_1296insT, p.Leu433fs (NM_001271989.2); c.-37+19438_-37+19439insA (NM_147163.2); short protein forms L433fs, L508fs.
Identifiers: ClinVar variation 4075831 (VCV004075831.1).

ClinVar aggregate classification (germline): Likely pathogenic (1 of 4 stars; one submission).

Conditions:
Bardet-Biedl syndrome 1 (BBS1). Identifiers: MedGen C2936862, MONDO:0008854, OMIM 209900. Disease mechanism: loss of function.

Submission:

Advanced Center For Translational And Genetic Medicine, Ann & Robert H. Lurie Children's Hospital Of Chicago
Classification: Likely pathogenic for Bardet-Biedl syndrome 1. Last evaluated: 2024-07-29. Review status: criteria provided, single submitter. Criteria: ACMG Guidelines, 2015. Collection method: research. Allele origin: maternal. Affected: yes. Observed: 1 compound heterozygote.
Comment: Null f(rameshift) variant in a gene where (LOF) is a known mechanism of disease (PVS1), absent from gnomAD v4.1.0 (PM2), Multiple computational tools support deleterious effect, CADD=35 and Mutation Taster predicts Disease Causing (PP3)